The following is an entry in ClinVar:

ClinVar aggregate classification (germline): Uncertain significance (1 of 4 stars; one submission).

gnomAD v4.1: 4 of 1,614,210 alleles (0.00025%); highest among the groups gnomAD compares: Admixed American, 0.0033%; no homozygotes.

Submission:

GeneDx
Classification: Uncertain significance. Last evaluated: 2025-07-14. Review status: criteria provided, single submitter. Criteria: GeneDx Variant Classification Process June 2021. Collection method: clinical testing. Allele origin: germline. Affected: yes.
Comment: Not observed at significant frequency in large population cohorts (gnomAD); In silico analysis suggests that this variant does not alter splicing; Has not been previously published as pathogenic or benign to our knowledge

NM_000412.5(HRG):c.57G>A (p.Val19=)

Gene: HRG (histidine rich glycoprotein; plus strand). Cytogenetic location: 3q27.3.
Variant type: single nucleotide variant.
Coding change: c.57G>A on transcript NM_000412.5 (MANE Select); coding-DNA position 57, G replaced by A.
Protein change: p.Val19=; no amino-acid change (valine 19 retained).
Molecular consequence: synonymous variant.
Genome position (GRCh38, 1-based): chr3:186,666,088, G>A. VCF-style: chr3-186666088-G-A. GRCh37 (hg19) VCF-style: chr3-186383877-G-A.
Identifiers: ClinVar variation 4686294 (VCV004686294.1).